The following is an entry in ClinVar:

ClinVar aggregate classification (germline): Pathogenic (1 of 4 stars; one submission).

Conditions:
Mendelian susceptibility to mycobacterial diseases due to complete IL12RB1 deficiency. Also called: IL12RB1 DEFICIENCY; Immunodeficiency 30. Identifiers: Orphanet 319552, MedGen C4013949, MONDO:0013955, OMIM 614891.

gnomAD v4.1: 12 of 1,613,368 alleles (0.00074%); highest among the groups gnomAD compares: Non-Finnish European, 0.00093%; no homozygotes.

Submission:

Labcorp Genetics (formerly Invitae), Labcorp
Classification: Pathogenic for Mendelian susceptibility to mycobacterial diseases due to complete IL12RB1 deficiency. Last evaluated: 2024-11-04. Review status: criteria provided, single submitter. Criteria: Invitae Variant Classification Sherloc (09022015). Collection method: clinical testing. Allele origin: germline.
Comment: This sequence change creates a premature translational stop signal (p.Trp531*) in the IL12RB1 gene. It is expected to result in an absent or disrupted protein product. Loss-of-function variants in IL12RB1 are known to be pathogenic (PMID: 9603733, 12591909). This variant is not present in population databases (gnomAD no frequency). This premature translational stop signal has been observed in individual(s) with interleukin-12 receptor β1 deficiency (PMID: 21057261). For these reasons, this variant has been classified as Pathogenic.

Literature cited by the submitters: PubMed 9603733; PubMed 12591909; PubMed 21057261.

NM_005535.3(IL12RB1):c.1593G>A (p.Trp531Ter)

Gene: IL12RB1 (interleukin 12 receptor subunit beta 1; minus strand). Cytogenetic location: 19p13.11.
Variant type: single nucleotide variant.
Coding change: c.1593G>A on transcript NM_005535.3 (MANE Select); coding-DNA position 1593, G replaced by A.
Protein change: p.Trp531Ter; replaces tryptophan 531 with a stop codon.
Molecular consequence: nonsense.
Genome position (GRCh38, 1-based): chr19:18,063,901, C>T on the plus strand (G>A on the coding strand, the complement: IL12RB1 is on the minus strand). VCF-style: chr19-18063901-C-T. GRCh37 (hg19) VCF-style: chr19-18174711-C-T.
Other names: c.1593G>A, p.Trp531Ter (NM_001290023.2); c.1713G>A, p.Trp571Ter (NM_001290024.2); short protein forms W531*, W571*.
Identifiers: ClinVar variation 3696660 (VCV003696660.2).